The following is an entry in ClinVar:

ClinVar aggregate classification (germline): Uncertain significance (1 of 4 stars; one submission).

Submission:

Labcorp Genetics (formerly Invitae), Labcorp
Classification: Uncertain significance. Last evaluated: 2022-03-09. Review status: criteria provided, single submitter. Criteria: Invitae Variant Classification Sherloc (09022015). Collection method: clinical testing. Allele origin: germline.
Comment: This variant has not been reported in the literature in individuals affected with A2ML1-related conditions. This sequence change replaces aspartic acid, which is acidic and polar, with glycine, which is neutral and non-polar, at codon 1442 of the A2ML1 protein (p.Asp1442Gly). This variant is not present in population databases (gnomAD no frequency). ClinVar contains an entry for this variant (Variation ID: 960419). Algorithms developed to predict the effect of missense changes on protein structure and function output the following: SIFT: "Tolerated"; PolyPhen-2: "Benign"; Align-GVGD: "Class C0". The glycine amino acid residue is found in multiple mammalian species, which suggests that this missense change does not adversely affect protein function. Algorithms developed to predict the effect of sequence changes on RNA splicing suggest that this variant may create or strengthen a splice site. In summary, the available evidence is currently insufficient to determine the role of this variant in disease. Therefore, it has been classified as a Variant of Uncertain Significance.

NM_144670.6(A2ML1):c.4325A>G (p.Asp1442Gly)

Gene: A2ML1 (alpha-2-macroglobulin like 1; plus strand). Cytogenetic location: 12p13.31.
Variant type: single nucleotide variant.
Coding change: c.4325A>G on transcript NM_144670.6 (MANE Select); coding-DNA position 4325, A replaced by G.
Protein change: p.Asp1442Gly; replaces aspartic acid 1442 with glycine.
Molecular consequence: missense variant.
Genome position (GRCh38, 1-based): chr12:8,874,971, A>G. VCF-style: chr12-8874971-A-G. GRCh37 (hg19) VCF-style: chr12-9027567-A-G.
Other names: c.2852A>G, p.Asp951Gly (NM_001282424.3); short protein forms D1442G, D951G.
Identifiers: ClinVar variation 960419 (VCV000960419.9), dbSNP rs1944755198, ClinGen allele CA383814796.